The following is an entry in ClinVar:

ClinVar aggregate classification (germline): Uncertain significance. Review status: criteria provided, multiple submitters, no conflicts (2 of 4 stars). 2 submissions from 2 submitters: Uncertain significance (2). Last evaluated 2026-07-06.

Conditions:
Hereditary cancer-predisposing syndrome. Also called: Tumor predisposition; Hereditary Cancer Syndrome; Hereditary neoplastic syndrome; Neoplastic Syndromes, Hereditary. Identifiers: Orphanet 140162, MedGen C0027672, MeSH D009386, MONDO:0015356.

Submissions (2):

Ambry Genetics
Classification: Uncertain significance for Hereditary cancer-predisposing syndrome. Last evaluated: 2026-07-06. Review status: criteria provided, single submitter. Criteria: Ambry Variant Classification Scheme 2023. Collection method: clinical testing. Allele origin: germline.
Comment: The p.D101H variant (also known as c.301G>C), located in coding exon 3 of the SMARCB1 gene, results from a G to C substitution at nucleotide position 301. The aspartic acid at codon 101 is replaced by histidine, an amino acid with similar properties. This amino acid position is conserved. In addition, the in silico prediction for this alteration is inconclusive. Based on the available evidence, the clinical significance of this variant remains unclear.

Labcorp Genetics (formerly Invitae), Labcorp
Classification: Uncertain significance. Last evaluated: 2020-03-22. Review status: criteria provided, single submitter. Criteria: Invitae Variant Classification Sherloc (09022015). Collection method: clinical testing. Allele origin: germline.
Comment: This sequence change replaces aspartic acid with histidine at codon 101 of the SMARCB1 protein (p.Asp101His). The aspartic acid residue is moderately conserved and there is a moderate physicochemical difference between aspartic acid and histidine. This variant is not present in population databases (ExAC no frequency). This variant has not been reported in the literature in individuals with SMARCB1-related conditions. Algorithms developed to predict the effect of missense changes on protein structure and function are either unavailable or do not agree on the potential impact of this missense change (SIFT: "Deleterious"; PolyPhen-2: "Benign"; Align-GVGD: "Class C0"). In summary, the available evidence is currently insufficient to determine the role of this variant in disease. Therefore, it has been classified as a Variant of Uncertain Significance.

NM_003073.5(SMARCB1):c.301G>C (p.Asp101His)

Gene: SMARCB1 (SWI/SNF related BAF chromatin remodeling complex subunit B1; plus strand). Cytogenetic location: 22q11.23.
Variant type: single nucleotide variant.
Coding change: c.301G>C on transcript NM_003073.5 (MANE Select); coding-DNA position 301, G replaced by C.
Protein change: p.Asp101His; replaces aspartic acid 101 with histidine.
Molecular consequence: missense variant.
Genome position (GRCh38, 1-based): chr22:23,793,627, G>C. VCF-style: chr22-23793627-G-C. GRCh37 (hg19) VCF-style: chr22-24135814-G-C.
Other names: c.301G>C (NM_003073.3); c.274G>C, p.Asp92His (NM_001007468.3, NM_001317946.2); c.301G>C, p.Asp101His (NM_001362877.2); short protein forms D101H, D92H.
Identifiers: ClinVar variation 1042238 (VCV001042238.9), dbSNP rs774488493, ClinGen allele CA410933812.
Genomic context (GRCh38, chr22:23,793,627, plus strand): 5'-TACACGACTCTAGCCACCAGTGTGACCCTGTTAAAAGCCTCGGAAGTGGAAGAGATTCTG[G>C]ATGGCAACGATGAGAAGTACAAGGCTGTGTCCATCAGCACAGAGCCCCCCACCTACCTCA-3'
Protein context (NP_003064.2, residues 91-111): LKASEVEEIL[Asp101His]GNDEKYKAVS